The following is an entry in ClinVar:

ClinVar aggregate classification (germline): Conflicting classifications of pathogenicity. Review status: criteria provided, conflicting classifications (1 of 4 stars). 11 submissions from 10 submitters: Uncertain significance (3); Likely benign (5). 3 of the submissions do not count toward it. Last evaluated 2026-01-26.

Conditions:
Joubert syndrome 9 (JBTS9). Identifiers: Orphanet 2318, MedGen C2676788, MONDO:0012849, OMIM 612285.
CC2D2A-related disorder. Also called: CC2D2A-related disorders; CC2D2A-related condition. Identifiers: MedGen CN239313.
Joubert syndrome. Also called: Familial aplasia of the vermis; JOUBERT-BOLTSHAUSER SYNDROME. Identifiers: Orphanet 475, MedGen C5979921, MONDO:0018772.
Meckel-Gruber syndrome. Also called: Dysencephalia splachnocystica; DYSENCEPHALIA SPLANCHNOCYSTICA; GRUBER SYNDROME. Identifiers: Orphanet 564, MedGen C0265215, MONDO:0018921.
Meckel syndrome, type 6. Identifiers: Orphanet 564, MedGen C2676790, MONDO:0012848, OMIM 612284.

Allele frequency attached by ClinVar (database versions not stated): TOPMed 0.00020; gnomAD 0.00021 and 0.00022; ExAC 0.00034.
gnomAD v4.1: 457 of 1,564,934 alleles (0.029%); highest among the groups gnomAD compares: Non-Finnish European, 0.036%; no homozygotes.

Submissions (11):

Labcorp Genetics (formerly Invitae), Labcorp
Classification: Likely benign for Joubert syndrome; Meckel-Gruber syndrome. Last evaluated: 2026-01-26. Review status: criteria provided, single submitter. Criteria: Invitae Variant Classification Sherloc (09022015). Collection method: clinical testing. Allele origin: germline.

Mayo Clinic Laboratories, Mayo Clinic
Classification: Likely benign. Last evaluated: 2025-05-16. Review status: criteria provided, single submitter. Criteria: ACMG Guidelines, 2015. Collection method: clinical testing. Allele origin: germline. Observed: 1 variant allele.
Comment: BP4, BP7

Blueprint Genetics
Classification: Likely benign. Last evaluated: 2024-09-10. Review status: criteria provided, single submitter. Criteria: ACMG Guidelines, 2015. Collection method: clinical testing. Allele origin: germline.

CeGaT Center for Human Genetics Tuebingen
Classification: Likely benign. Last evaluated: 2024-09-01. Review status: criteria provided, single submitter. Criteria: CeGaT Center For Human Genetics Tuebingen Variant Classification Criteria Version 2. Collection method: clinical testing. Allele origin: germline. Affected: yes. Observed: 1 variant allele.
Comment: CC2D2A: BP4, BP7

GeneDx
Classification: Likely benign. Last evaluated: 2021-02-19. Review status: criteria provided, single submitter. Criteria: GeneDx Variant Classification Process June 2021. Collection method: clinical testing. Allele origin: germline. Affected: yes.

Illumina Laboratory Services, Illumina
Classification: Uncertain significance for Joubert syndrome 9. Last evaluated: 2018-01-13. Review status: criteria provided, single submitter. Criteria: ICSL Variant Classification Criteria 13 December 2019. Collection method: clinical testing. Allele origin: germline.

Illumina Laboratory Services, Illumina
Classification: Uncertain significance for Meckel syndrome, type 6. Last evaluated: 2018-01-13. Review status: criteria provided, single submitter. Criteria: ICSL Variant Classification Criteria 13 December 2019. Collection method: clinical testing. Allele origin: germline.

Eurofins Ntd Llc (ga)
Classification: Uncertain significance. Last evaluated: 2016-07-21. Review status: criteria provided, single submitter. Criteria: EGL Classification Definitions 2015. Collection method: clinical testing. Allele origin: germline. Observed: 2 variant alleles, 2 heterozygotes.

PreventionGenetics, part of Exact Sciences
Classification: Likely benign for CC2D2A-related condition. Last evaluated: 2020-01-29. Review status: no assertion criteria provided. Collection method: clinical testing. Allele origin: germline. Not counted in ClinVar's aggregate classification.
Comment: This variant is classified as likely benign based on ACMG/AMP sequence variant interpretation guidelines (Richards et al. 2015 PMID: 25741868, with internal and published modifications).

Clinical Genetics DNA and cytogenetics Diagnostics Lab, Erasmus MC, Erasmus Medical Center
Classification: Likely benign. Review status: no assertion criteria provided. Collection method: clinical testing. Allele origin: germline. Affected: yes. Study: VKGL Data-share Consensus. Not counted in ClinVar's aggregate classification.

Genome Diagnostics Laboratory, University Medical Center Utrecht
Classification: Likely benign. Review status: no assertion criteria provided. Collection method: clinical testing. Allele origin: germline. Affected: yes. Study: VKGL Data-share Consensus. Not counted in ClinVar's aggregate classification.

NM_001378615.1(CC2D2A):c.3480G>T (p.Leu1160=)

Genes: CC2D2A (coiled-coil and C2 domain containing 2A; plus strand), FBXL5 (F-box and leucine rich repeat protein 5; minus strand). Cytogenetic location: 4p15.32.
Variant type: single nucleotide variant.
Coding change: c.3480G>T on transcript NM_001378615.1 (MANE Select); coding-DNA position 3480, G replaced by T.
Protein change: p.Leu1160=; no amino-acid change (leucine 1160 retained).
Molecular consequence: synonymous variant.
Genome position (GRCh38, 1-based): chr4:15,569,374, G>T. VCF-style: chr4-15569374-G-T. GRCh37 (hg19) VCF-style: chr4-15570997-G-T.
Other names: p.Leu1160=; c.3480G>T, p.Leu1160= (NM_001080522.2); c.3333G>T, p.Leu1111= (NM_001378617.1).
Identifiers: ClinVar variation 288772 (VCV000288772.41), dbSNP rs771914973, ClinGen allele CA2864176.